The following is an entry in ClinVar:

NM_000020.3(ACVRL1):c.61+2T>C

Gene: ACVRL1 (activin A receptor like type 1; plus strand). Cytogenetic location: 12q13.13.
Variant type: single nucleotide variant.
Coding change: c.61+2T>C on transcript NM_000020.3 (MANE Select); the canonical splice donor site of the intron after coding-DNA position 61, T replaced by C.
Molecular consequence: splice donor variant.
Genome position (GRCh38, 1-based): chr12:51,912,537, T>C. VCF-style: chr12-51912537-T-C. GRCh37 (hg19) VCF-style: chr12-52306321-T-C.
Other names: c.61+2T>C (NM_001406487.1, NM_001406491.1, NM_001406488.1 and 7 more transcripts).
Identifiers: ClinVar variation 3769871 (VCV003769871.1).

ClinVar aggregate classification (germline): Likely pathogenic (1 of 4 stars; one submission).

Submission:

GeneDx
Classification: Likely pathogenic. Last evaluated: 2025-03-12. Review status: criteria provided, single submitter. Criteria: GeneDx Variant Classification Process June 2021. Collection method: clinical testing. Allele origin: germline. Affected: yes.
Comment: Canonical splice site variant predicted to result in a null allele in a gene for which loss of function is a known mechanism of disease; Not observed at significant frequency in large population cohorts (gnomAD); Has not been previously published as pathogenic or benign to our knowledge